The following is an entry in ClinVar:

NM_000352.6(ABCC8):c.4181T>G (p.Met1394Arg)

Gene: ABCC8 (ATP binding cassette subfamily C member 8; minus strand). Cytogenetic location: 11p15.1.
Variant type: single nucleotide variant.
Coding change: c.4181T>G on transcript NM_000352.6 (MANE Select); coding-DNA position 4181, T replaced by G.
Protein change: p.Met1394Arg; replaces methionine 1394 with arginine.
Molecular consequence: missense variant. On other transcripts: non-coding transcript variant (1).
Genome position (GRCh38, 1-based): chr11:17,395,869, A>C on the plus strand (T>G on the coding strand, the complement: ABCC8 is on the minus strand). VCF-style: chr11-17395869-A-C. GRCh37 (hg19) VCF-style: chr11-17417416-A-C.
Other names: c.4184T>G, p.Met1395Arg (NM_001287174.3); c.4247T>G, p.Met1416Arg (NM_001351295.2); c.4181T>G, p.Met1394Arg (NM_001351296.2); c.4178T>G, p.Met1393Arg (NM_001351297.2); short protein forms M1393R, M1394R, M1395R, M1416R.
Identifiers: ClinVar variation 2678780 (VCV002678780.4), dbSNP rs2496452499, ClinGen allele CA379787876.

ClinVar aggregate classification (germline): Likely pathogenic. Review status: criteria provided, multiple submitters, no conflicts (2 of 4 stars). 2 submissions from 2 submitters: Likely pathogenic (2). Last evaluated 2023-11-21.

Conditions:
Type 2 diabetes mellitus. Also called: Type II diabetes mellitus. Identifiers: MedGen C0011860, MeSH D003924, MONDO:0005148, OMIM 125853, HP:0005978.

Submissions (2):

Labcorp Genetics (formerly Invitae), Labcorp
Classification: Likely pathogenic. Last evaluated: 2023-11-21. Review status: criteria provided, single submitter. Criteria: Invitae Variant Classification Sherloc (09022015). Collection method: clinical testing. Allele origin: germline.
Comment: This sequence change replaces methionine, which is neutral and non-polar, with arginine, which is basic and polar, at codon 1394 of the ABCC8 protein (p.Met1394Arg). This variant is not present in population databases (gnomAD no frequency). This missense change has been observed in individual(s) with autosomal recessive congenital hyperinsulinism (PMID: 23266803). In at least one individual the data is consistent with being in trans (on the opposite chromosome) from a pathogenic variant. Advanced modeling of protein sequence and biophysical properties (such as structural, functional, and spatial information, amino acid conservation, physicochemical variation, residue mobility, and thermodynamic stability) performed at Invitae indicates that this missense variant is expected to disrupt ABCC8 protein function with a positive predictive value of 95%. Experimental studies have shown that this missense change affects ABCC8 function (PMID: 23266803). In summary, the currently available evidence indicates that the variant is pathogenic, but additional data are needed to prove that conclusively. Therefore, this variant has been classified as Likely Pathogenic.

Baylor Genetics
Classification: Likely pathogenic for Type 2 diabetes mellitus. Last evaluated: 2022-08-04. Review status: criteria provided, single submitter. Criteria: ACMG Guidelines, 2015. Collection method: clinical testing. Allele origin: unknown.

Literature cited by the submitters: PubMed 23266803 (cited by Labcorp Genetics (formerly Invitae), Labcorp).